The following is an entry in ClinVar:

NM_000329.3(RPE65):c.852del (p.Met285fs)

Gene: RPE65 (retinoid isomerohydrolase RPE65; minus strand). Cytogenetic location: 1p31.3.
Variant type: Deletion.
Coding change: c.852del on transcript NM_000329.3 (MANE Select); coding-DNA position 852, one base deleted (C; older notation c.852delC).
Protein change: p.Met285fs; shifts the reading frame from methionine 285.
Molecular consequence: frameshift variant.
Genome position (GRCh38, 1-based): chr1:68,439,197, G deleted on the plus strand (C on the coding strand, the reverse complement: RPE65 is on the minus strand); the first of 2 consecutive G bases (chr1:68,439,197-68,439,198); deleting either gives the same sequence. VCF-style (leftmost placement, unchanged base first): chr1-68439196-TG-T. GRCh37 (hg19) VCF-style: chr1-68904879-TG-T.
Other names: NM_000329.3:c.852del; c.744del, p.Met249fs (NM_001406853.1); c.576del, p.Met193fs (NM_001406856.1, NM_001406857.1); c.852del, p.Met285fs (NM_001406859.1); short protein forms M193fs, M249fs, M285fs.
Identifiers: ClinVar variation 4686554 (VCV004686554.1).
Genomic context (GRCh38, chr1:68,439,196, plus strand): 5'-TATTAAACACATCTTCTTCAGAATCACAAACTTGACAAATATATCTAAGACTTACCCCCA[TG>T]GTTTCATTGGACTCAAAACAATCCATGTAGTTGGCTCCCCAAAGACTCCATGAAGAAAGG-3'

ClinVar aggregate classification (germline): Likely pathogenic (3 of 4 stars; one submission).

Conditions:
RPE65-related recessive retinopathy. Also called: Recessive RPE65 retinopathy. Identifiers: MedGen CN305526, MONDO:0100368.

Submission:

ClinGen Leber Congenital Amaurosis/early Onset Retinal Dystrophy Variant Curation Expert Panel, ClinGen
Classification: Likely pathogenic for RPE65-related recessive retinopathy. Last evaluated: 2025-12-19. Review status: reviewed by expert panel. Criteria: ClinGen LCAeoRD ACMG Specifications RPE65 V1.0.0. Collection method: curation. Allele origin: germline. Inheritance: Autosomal recessive inheritance.
Comment: NM_000329.3(RPE65):c.852del (p.Met285TrpfsTer?) is a frameshift variant in exon 8 of 15 that introduces a premature stop codon and is predicted to lead to nonsense-mediated decay in a gene in which loss-of-function is an established mechanism of disease (PVS1). This variant is absent from gnomAD v4.1.0 (PM2_Supporting). This variant has been reported in at least 1 proband with early-onset severe retinal dystrophy who harbored the variant in the compound heterozygous state with the NM_000329.3(RPE65):c.952T>A (p.Tyr318Asn) variant suspected in trans (PMID: 33749171). However, the proband was not counted for PM3_Supporting in order to avoid circularity. The proband exhibits a phenotype including diagnosis of autosomal recessive RPE65-related inherited retinal disease, with genotyping by next-generation sequencing with a panel of 176 genes identifying no alternative basis for retinal disease (2 pts), which are not sufficiently specific for RPE65-related recessive retinopathy to meet the PP4 code (2 total points, PMID: 33749171). In summary, this variant meets the criteria to be classified as Likely Pathogenic for RPE65-related recessive retinopathy based on the ACMG/AMP criteria applied, as specified by the ClinGen LCA/eoRP VCEP: PVS1 and PM2_Supporting. (VCEP specifications version 1.0.0; date of approval 09/21/2023).